The following is an entry in ClinVar:

NM_012232.6(CAVIN1):c.15G>C (p.Thr5=)

Gene: CAVIN1 (caveolae associated protein 1; minus strand). Cytogenetic location: 17q21.2.
Variant type: single nucleotide variant.
Coding change: c.15G>C on transcript NM_012232.6 (MANE Select); coding-DNA position 15, G replaced by C.
Protein change: p.Thr5=; no amino-acid change (threonine 5 retained).
Molecular consequence: synonymous variant.
Genome position (GRCh38, 1-based): chr17:42,423,083, C>G on the plus strand (G>C on the coding strand, the complement: CAVIN1 is on the minus strand). VCF-style: chr17-42423083-C-G. GRCh37 (hg19) VCF-style: chr17-40575101-C-G.
Identifiers: ClinVar variation 3030420 (VCV003030420.2), dbSNP rs527248646, ClinGen allele CA500216041.

ClinVar aggregate classification (germline): Likely benign (0 of 4 stars; one submission).

Conditions:
CAVIN1-related disorder. Also called: CAVIN1-related condition.

Submission:

PreventionGenetics, part of Exact Sciences
Classification: Likely benign for CAVIN1-related condition. Last evaluated: 2020-12-21. Review status: no assertion criteria provided. Collection method: clinical testing. Allele origin: germline.
Comment: This variant is classified as likely benign based on ACMG/AMP sequence variant interpretation guidelines (Richards et al. 2015 PMID: 25741868, with internal and published modifications).